The following is an entry in ClinVar:

ClinVar aggregate classification (germline): Benign/Likely benign. Review status: criteria provided, multiple submitters, no conflicts (2 of 4 stars). 2 submissions from 2 submitters: Benign (1); Likely benign (1). Last evaluated 2024-02-20.

Allele frequency attached by ClinVar (database versions not stated): gnomAD exomes 0.00010; ExAC 0.00033; ESP Exome Variant Server 0.00062; gnomAD 0.00080; TOPMed 0.00094; 1000 Genomes Project 0.00140; 1000 Genomes Project 30x 0.00156.
gnomAD v4.1: 265 of 1,604,228 alleles (0.017%); highest among the groups gnomAD compares: African/African-American, 0.33%; 1 homozygote.

Submissions (2):

Blueprint Genetics
Classification: Likely benign. Last evaluated: 2024-02-20. Review status: criteria provided, single submitter. Criteria: ACMG Guidelines, 2015. Collection method: clinical testing. Allele origin: germline.

CeGaT Center for Human Genetics Tuebingen
Classification: Benign. Last evaluated: 2022-03-01. Review status: criteria provided, single submitter. Criteria: CeGaT Center For Human Genetics Tuebingen Variant Classification Criteria Version 2. Collection method: clinical testing. Allele origin: germline. Affected: yes. Observed: 1 variant allele.
Comment: PUM1: BS1, BS2

NM_001020658.2(PUM1):c.1182T>C (p.Leu394=)

Gene: PUM1 (pumilio RNA binding family member 1; minus strand). Cytogenetic location: 1p35.2.
Variant type: single nucleotide variant.
Coding change: c.1182T>C on transcript NM_001020658.2 (MANE Select); coding-DNA position 1182, T replaced by C.
Protein change: p.Leu394=; no amino-acid change (leucine 394 retained).
Molecular consequence: synonymous variant.
Genome position (GRCh38, 1-based): chr1:30,981,382, A>G on the plus strand (T>C on the coding strand, the complement: PUM1 is on the minus strand). VCF-style: chr1-30981382-A-G. GRCh37 (hg19) VCF-style: chr1-31454229-A-G.
Other names: c.1182T>C, p.Leu394= (NM_014676.3).
Identifiers: ClinVar variation 2638599 (VCV002638599.25), dbSNP rs146732607, ClinGen allele CA729277.